The following is an entry in ClinVar:

ClinVar aggregate classification (germline): Likely benign (1 of 4 stars; one submission).

Submission:

CeGaT Center for Human Genetics Tuebingen
Classification: Likely benign. Last evaluated: 2025-09-01. Review status: criteria provided, single submitter. Criteria: CeGaT Center For Human Genetics Tuebingen Variant Classification Criteria Version 2. Collection method: clinical testing. Allele origin: germline. Affected: yes. Observed: 1 variant allele.
Comment: MAP3K5: PM2:Supporting, BP4, BP7

NM_005923.4(MAP3K5):c.117C>G (p.Gly39=)

Gene: MAP3K5 (mitogen-activated protein kinase kinase kinase 5; minus strand). Cytogenetic location: 6q23.3.
Variant type: single nucleotide variant.
Coding change: c.117C>G on transcript NM_005923.4 (MANE Select); coding-DNA position 117, C replaced by G.
Protein change: p.Gly39=; no amino-acid change (glycine 39 retained).
Molecular consequence: synonymous variant. On other transcripts: 5 prime UTR variant (1).
Genome position (GRCh38, 1-based): chr6:136,792,041, G>C on the plus strand (C>G on the coding strand, the complement: MAP3K5 is on the minus strand). VCF-style: chr6-136792041-G-C. GRCh37 (hg19) VCF-style: chr6-137113179-G-C.
Other names: c.444C>G, p.Gly148= (NM_001438058.1); c.-326C>G (NM_001438579.1).
Identifiers: ClinVar variation 4280944 (VCV004280944.7).
Genomic context (GRCh38, chr6:136,792,041, plus strand): 5'-GCTCTCCACGTTCCAGAAGCTGCCCGGCGGCGGCGGTGGCAGCTGGTGCTCCTCGCCCTC[G>C]CCCACCGCCGCCGCTCCTCCCCTCCTGCAGATGCCGCCCTCGGGGATGGTGCAGAAGCCC-3'
Protein context (NP_005914.1, residues 29-49): ICRRGGAAAV[Gly39=]EGEEHQLPPP